The following is an entry in ClinVar:

NM_018975.4(TERF2IP):c.1011A>C (p.Leu337=)

Gene: TERF2IP (TERF2 interacting protein; plus strand). Cytogenetic location: 16q23.1.
Variant type: single nucleotide variant.
Coding change: c.1011A>C on transcript NM_018975.4 (MANE Select); coding-DNA position 1011, A replaced by C.
Protein change: p.Leu337=; no amino-acid change (leucine 337 retained).
Molecular consequence: synonymous variant. On other transcripts: non-coding transcript variant (1).
Genome position (GRCh38, 1-based): chr16:75,656,422, A>C. VCF-style: chr16-75656422-A-C. GRCh37 (hg19) VCF-style: chr16-75690320-A-C.
Identifiers: ClinVar variation 2646882 (VCV002646882.24), dbSNP rs566381436, ClinGen allele CA496696518.

ClinVar aggregate classification (germline): Likely benign (1 of 4 stars; one submission).

Submission:

CeGaT Center for Human Genetics Tuebingen
Classification: Likely benign. Last evaluated: 2023-08-01. Review status: criteria provided, single submitter. Criteria: CeGaT Center For Human Genetics Tuebingen Variant Classification Criteria Version 2. Collection method: clinical testing. Allele origin: germline. Affected: yes. Observed: 1 variant allele.
Comment: TERF2IP: PM2:Supporting, BP4, BP7